The following is an entry in ClinVar:

ClinVar aggregate classification (germline): Likely pathogenic (1 of 4 stars; one submission).

Submission:

GeneDx
Classification: Likely pathogenic. Last evaluated: 2024-10-15. Review status: criteria provided, single submitter. Criteria: GeneDx Variant Classification Process June 2021. Collection method: clinical testing. Allele origin: germline. Affected: yes.
Comment: Frameshift variant predicted to result in abnormal protein length as the last 299 amino acid(s) are replaced with 27 different amino acid(s), and other similar variants have been reported in HGMD; Not observed at significant frequency in large population cohorts (gnomAD); Has not been previously published as pathogenic or benign to our knowledge; This variant is associated with the following publications: (PMID: 34667935)

NM_194277.3(FRMD7):c.1248del (p.Phe416fs)

Gene: FRMD7 (FERM domain containing 7; minus strand). Cytogenetic location: Xq26.2.
Variant type: Deletion.
Coding change: c.1248del on transcript NM_194277.3 (MANE Select); coding-DNA position 1248, one base deleted (T; older notation c.1248delT).
Protein change: p.Phe416fs; shifts the reading frame from phenylalanine 416.
Molecular consequence: frameshift variant.
Genome position (GRCh38, 1-based): chrX:132,078,769, A deleted on the plus strand (T on the coding strand, the reverse complement: FRMD7 is on the minus strand); the first of 4 consecutive A bases (chrX:132,078,769-132,078,772); deleting any one gives the same sequence. VCF-style (leftmost placement, unchanged base first): chrX-132078768-TA-T. GRCh37 (hg19) VCF-style: chrX-131212796-TA-T.
Other names: c.1203del, p.Phe401fs (NM_001306193.2); c.1245delT, p.Phe416Leufs (NM_194277.2); short protein forms F401fs, F416fs.
Identifiers: ClinVar variation 3781050 (VCV003781050.1).
Genomic context (GRCh38, chrX:132,078,768, plus strand): 5'-AAATGTCTCTGGGATCAGGGTTAGGATTGGGCTCAGTGTTAAAGACAGGGTCCATATAAA[TA>T]AAAGGGAAAGAGGAACTGCTTTGGGACTGATGTAGCAATGTGGGATCCGCCTCTGGTTTG-3'